The following is an entry in ClinVar:

ClinVar aggregate classification (germline): Likely benign. Review status: criteria provided, multiple submitters, no conflicts (2 of 4 stars). 2 submissions from 2 submitters: Likely benign (2). Last evaluated 2025-05-19.

Conditions:
Primary dilated cardiomyopathy (DCM). Also called: Dilated Cardiomyopathy. Identifiers: Orphanet 217604, MedGen C0007193, MeSH D002311, MONDO:0005021, HP:0001644. Inheritance: Various modes of inheritance.

gnomAD v4.1: 5 of 1,613,856 alleles (0.00031%); highest among the groups gnomAD compares: Non-Finnish European, 0.00042%; no homozygotes.

Submissions (2):

Women's Health and Genetics/Laboratory Corporation of America, LabCorp
Classification: Likely benign. Last evaluated: 2025-05-19. Review status: criteria provided, single submitter. Criteria: LabCorp Variant Classification Summary - May 2015. Collection method: clinical testing. Allele origin: germline.
Comment: Variant summary: NEBL c.960T>C alters a conserved nucleotide resulting in a synonymous change. Consensus agreement among computation tools predict no significant impact on normal splicing. However, these predictions have yet to be confirmed by functional studies. The variant was absent in 251104 control chromosomes. The available data on variant occurrences in the general population are insufficient to allow any conclusion about variant significance. To our knowledge, no occurrence of c.960T>C in individuals affected with Dilated Cardiomyopathy and no experimental evidence demonstrating its impact on protein function have been reported. ClinVar contains an entry for this variant (Variation ID: 3621597). Based on the evidence outlined above, the variant was classified as likely benign.

Labcorp Genetics (formerly Invitae), Labcorp
Classification: Likely benign for Primary dilated cardiomyopathy. Last evaluated: 2024-11-27. Review status: criteria provided, single submitter. Criteria: Invitae Variant Classification Sherloc (09022015). Collection method: clinical testing. Allele origin: germline.

NM_006393.3(NEBL):c.960T>C (p.Asp320=)

Gene: NEBL (nebulette; minus strand). Cytogenetic location: 10p12.31.
Variant type: single nucleotide variant.
Coding change: c.960T>C on transcript NM_006393.3 (MANE Select); coding-DNA position 960, T replaced by C.
Protein change: p.Asp320=; no amino-acid change (aspartic acid 320 retained).
Molecular consequence: synonymous variant. On other transcripts: intron variant (9).
Genome position (GRCh38, 1-based): chr10:20,852,593, A>G on the plus strand (T>C on the coding strand, the complement: NEBL is on the minus strand). VCF-style: chr10-20852593-A-G. GRCh37 (hg19) VCF-style: chr10-21141522-A-G.
Other names: c.250-39653T>C (NM_001377326.1, NM_001377327.1, NM_001377328.1); c.358-39653T>C (NM_213569.2, NM_001173484.2, NM_001377322.1); c.301-39653T>C (NM_001377324.1); c.292-39653T>C (NM_001377325.1); c.310-39653T>C (NM_001377323.1).
Identifiers: ClinVar variation 3621597 (VCV003621597.3).